The following is an entry in ClinVar:

ClinVar aggregate classification (germline): Uncertain significance (1 of 4 stars; one submission).

Submission:

GeneDx
Classification: Uncertain significance. Last evaluated: 2024-09-23. Review status: criteria provided, single submitter. Criteria: GeneDx Variant Classification Process June 2021. Collection method: clinical testing. Allele origin: germline. Affected: yes.
Comment: Not observed at significant frequency in large population cohorts (gnomAD); In silico analysis indicates that this missense variant does not alter protein structure/function; Has not been previously published as pathogenic or benign to our knowledge

NM_004114.5(FGF13):c.56G>T (p.Arg19Leu)

Gene: FGF13 (fibroblast growth factor 13; minus strand). Cytogenetic location: Xq26.3.
Variant type: single nucleotide variant.
Coding change: c.56G>T on transcript NM_004114.5 (MANE Select); coding-DNA position 56, G replaced by T.
Protein change: p.Arg19Leu; replaces arginine 19 with leucine.
Molecular consequence: missense variant. On other transcripts: intron variant (5).
Genome position (GRCh38, 1-based): chrX:138,710,948, C>A on the plus strand (G>T on the coding strand, the complement: FGF13 is on the minus strand). VCF-style: chrX-138710948-C-A. GRCh37 (hg19) VCF-style: chrX-137793110-C-A.
Other names: c.50-2020G>T (NM_001139498.2); c.218-2020G>T (NM_001139500.2); c.131-2020G>T (NM_001139501.2, NM_001139502.2); c.29-2020G>T (NM_033642.3); short protein forms R19L.
Identifiers: ClinVar variation 3774219 (VCV003774219.1).
Genomic context (GRCh38, chrX:138,710,948, plus strand): 5'-TCGCAGCTGGTCTTGCCTTTGCTGGGGCTGCTGACACACTTGCAGGCGTTGGATTTCTCG[C>A]GCTCGCGGGCTTGCCTCTTCTGACGGATGAGCGAGCTGGCGATAGCCGCCGCCATGGCCA-3'
Protein context (NP_004105.1, residues 9-29): LIRQKRQARE[Arg19Leu]EKSNACKCVS